The following is an entry in ClinVar:

ClinVar aggregate classification (germline): Pathogenic (1 of 4 stars; one submission).

Conditions:
Retinitis pigmentosa 12 (RP12). Also called: RP WITH OR WITHOUT PRESERVED PARAARTERIOLE RETINAL PIGMENT EPITHELIUM; RETINITIS PIGMENTOSA WITH OR WITHOUT PARAARTERIOLAR PRESERVATION OF RETINAL PIGMENT EPITHELIUM; RP WITH OR WITHOUT PPRPE. Identifiers: Orphanet 791, MedGen C1838647, MONDO:0010818, OMIM 600105.
Leber congenital amaurosis 8 (LCA8). Identifiers: Orphanet 65, MedGen C3151202, MONDO:0013453, OMIM 613835.

Submission:

Labcorp Genetics (formerly Invitae), Labcorp
Classification: Pathogenic for Leber congenital amaurosis 8; Retinitis pigmentosa 12. Last evaluated: 2022-02-08. Review status: criteria provided, single submitter. Criteria: Invitae Variant Classification Sherloc (09022015). Collection method: clinical testing. Allele origin: germline.
Comment: This variant is not present in population databases (gnomAD no frequency). This variant has not been reported in the literature in individuals affected with CRB1-related conditions. For these reasons, this variant has been classified as Pathogenic. This sequence change creates a premature translational stop signal (p.Gly142Glufs*6) in the CRB1 gene. It is expected to result in an absent or disrupted protein product. Loss-of-function variants in CRB1 are known to be pathogenic (PMID: 10508521, 22065545, 23379534, 25412400, 26957898, 28041643, 29391521).

Literature cited by the submitters: PubMed 10508521; PubMed 22065545; PubMed 23379534; PubMed 25412400; PubMed 26957898; PubMed 28041643; PubMed 29391521.

NM_201253.3(CRB1):c.425del (p.Gly142fs)

Gene: CRB1 (crumbs cell polarity complex component 1; plus strand). Cytogenetic location: 1q31.3.
Variant type: Deletion.
Coding change: c.425del on transcript NM_201253.3 (MANE Select); coding-DNA position 425, one base deleted (G; older notation c.425delG).
Protein change: p.Gly142fs; shifts the reading frame from glycine 142.
Molecular consequence: frameshift variant. On other transcripts: non-coding transcript variant (2).
Genome position (GRCh38, 1-based): chr1:197,328,776, G deleted; the last of 2 consecutive G bases (chr1:197,328,775-197,328,776); deleting either gives the same sequence. VCF-style (leftmost placement, unchanged base first): chr1-197328774-TG-T. GRCh37 (hg19) VCF-style: chr1-197297904-TG-T.
Other names: c.425del, p.Gly142fs (NM_001193640.2, NM_001257966.2); c.218del, p.Gly73fs (NM_001257965.2); short protein forms G142fs, G73fs.
Identifiers: ClinVar variation 2094484 (VCV002094484.4), dbSNP rs2465029967, ClinGen allele CA2580061816.